The following is an entry in ClinVar:

ClinVar aggregate classification (germline): Uncertain significance (1 of 4 stars; one submission).

Conditions:
SLC27A4-related disorder. Also called: SLC27A4-related condition.

Submission:

PreventionGenetics, part of Exact Sciences
Classification: Uncertain significance for SLC27A4-related condition. Last evaluated: 2026-03-10. Review status: criteria provided, single submitter. Criteria: ACMG Guidelines, 2015. Collection method: clinical testing. Allele origin: germline.
Comment: The SLC27A4 c.926T>G variant is predicted to result in the amino acid substitution p.Val309Gly. To our knowledge, this variant has not been reported in the literature or in a large population database (gnomAD), indicating this variant is rare. At this time, the clinical significance of this variant is uncertain due to the absence of conclusive functional and genetic evidence.

NM_005094.4(SLC27A4):c.926T>G (p.Val309Gly)

Gene: SLC27A4 (solute carrier family 27 member 4; plus strand). Cytogenetic location: 9q34.11.
Variant type: single nucleotide variant.
Coding change: c.926T>G on transcript NM_005094.4 (MANE Select); coding-DNA position 926, T replaced by G.
Protein change: p.Val309Gly; replaces valine 309 with glycine.
Molecular consequence: missense variant.
Genome position (GRCh38, 1-based): chr9:128,352,686, T>G. VCF-style: chr9-128352686-T-G. GRCh37 (hg19) VCF-style: chr9-131114965-T-G.
Other names: short protein forms V309G.
Identifiers: ClinVar variation 4992363 (VCV004992363.1).
Genomic context (GRCh38, chr9:128,352,686, plus strand): 5'-CTCTGCCTCCAGGAAACATCGTGGGAATCGGCCAGTGCCTGCTGCATGGCATGACGGTGG[T>G]GATTCGGAAGAAGTTCTCAGCCTCCCGGTTCTGGGACGATTGTATCAAGTACAACTGCAC-3'
Protein context (NP_005085.2, residues 299-319): GQCLLHGMTV[Val309Gly]IRKKFSASRF